The following is an entry in ClinVar:

NM_014314.4(RIGI):c.481A>G (p.Arg161Gly)

Gene: RIGI (RNA sensor RIG-I; minus strand). Cytogenetic location: 9p21.1.
Variant type: single nucleotide variant.
Coding change: c.481A>G on transcript NM_014314.4 (MANE Select); coding-DNA position 481, A replaced by G.
Protein change: p.Arg161Gly; replaces arginine 161 with glycine.
Molecular consequence: missense variant. On other transcripts: intron variant (1).
Genome position (GRCh38, 1-based): chr9:32,492,481, T>C on the plus strand (A>G on the coding strand, the complement: RIGI is on the minus strand). VCF-style: chr9-32492481-T-C. GRCh37 (hg19) VCF-style: chr9-32492479-T-C.
Other names: c.481A>G, p.Arg161Gly (NM_001385907.1, NM_001385909.1); c.40A>G, p.Arg14Gly (NM_001385910.1, NM_001385914.1); c.466A>G, p.Arg156Gly (NM_001385913.1); c.-38-1061A>G (NM_001385912.1); short protein forms R14G, R156G, R161G.
Identifiers: ClinVar variation 4718499 (VCV004718499.1).

ClinVar aggregate classification (germline): Uncertain significance (1 of 4 stars; one submission).

Submission:

Labcorp Genetics (formerly Invitae), Labcorp
Classification: Uncertain significance. Last evaluated: 2025-05-13. Review status: criteria provided, single submitter. Criteria: Invitae Variant Classification Sherloc (09022015). Collection method: clinical testing. Allele origin: germline.
Comment: This sequence change replaces arginine, which is basic and polar, with glycine, which is neutral and non-polar, at codon 161 of the DDX58 protein (p.Arg161Gly). This variant is not present in population databases (gnomAD no frequency). This variant has not been reported in the literature in individuals affected with DDX58-related conditions. An algorithm developed to predict the effect of missense changes on protein structure and function (PolyPhen-2) suggests that this variant is likely to be disruptive. In summary, the available evidence is currently insufficient to determine the role of this variant in disease. Therefore, it has been classified as a Variant of Uncertain Significance.